The following is an entry in ClinVar:

NM_001308093.3(GATA4):c.1224A>C (p.Pro408=)

Gene: GATA4 (GATA binding protein 4). Cytogenetic location: 8p23.1.
Variant type: single nucleotide variant.
Coding change: c.1224A>C on transcript NM_001308093.3 (MANE Select); coding-DNA position 1224, A replaced by C.
Protein change: p.Pro408=; no amino-acid change (proline 408 retained).
Molecular consequence: synonymous variant.
Genome position (GRCh38, 1-based): chr8:11,758,367, A>C. VCF-style: chr8-11758367-A-C. GRCh37 (hg19) VCF-style: chr8-11615876-A-C.
Other names: c.603A>C, p.Pro201= (NM_001308094.2, NM_001374273.1); c.477A>C, p.Pro159= (NM_001374274.1); c.1221A>C, p.Pro407= (NM_002052.5).
Identifiers: ClinVar variation 239098 (VCV000239098.22), dbSNP rs7830178, ClinGen allele CA4630892.

ClinVar aggregate classification (germline): Benign/Likely benign. Review status: criteria provided, multiple submitters, no conflicts (2 of 4 stars). 6 submissions from 6 submitters: Benign (2); Likely benign (4). Last evaluated 2026-02-03.

Conditions:
Cardiovascular phenotype. Identifiers: MedGen CN230736.
Atrioventricular septal defect 4 (AVSD4). Identifiers: MedGen C3280781, MONDO:0013747, OMIM 614430.

Allele frequency attached by ClinVar (database versions not stated): gnomAD exomes 0.00080; ExAC 0.00097; ESP Exome Variant Server 0.00277; 1000 Genomes Project 0.00319; 1000 Genomes Project 30x 0.00375; gnomAD 0.00400 and 0.00435; TOPMed 0.00464.
gnomAD v4.1: 1,182 of 1,614,000 alleles (0.073%); highest among the groups gnomAD compares: African/African-American, 1.4%; 9 homozygotes.

Submissions (6):

Labcorp Genetics (formerly Invitae), Labcorp
Classification: Benign for Atrioventricular septal defect 4. Last evaluated: 2026-02-03. Review status: criteria provided, single submitter. Criteria: Invitae Variant Classification Sherloc (09022015). Collection method: clinical testing. Allele origin: germline.

Blueprint Genetics
Classification: Likely benign. Last evaluated: 2024-11-13. Review status: criteria provided, single submitter. Criteria: ACMG Guidelines, 2015. Collection method: clinical testing. Allele origin: germline.

GeneDx
Classification: Likely benign. Last evaluated: 2021-02-02. Review status: criteria provided, single submitter. Criteria: GeneDx Variant Classification Process June 2021. Collection method: clinical testing. Allele origin: germline. Affected: yes.
Comment: This variant is associated with the following publications: (PMID: 18055909)

Genetic Services Laboratory, University of Chicago
Classification: Benign. Last evaluated: 2018-06-01. Review status: criteria provided, single submitter. Criteria: ACMG Guidelines, 2015. Collection method: clinical testing. Allele origin: germline. Affected: no.

Ambry Genetics
Classification: Likely benign for Cardiovascular phenotype. Last evaluated: 2017-12-16. Review status: criteria provided, single submitter. Criteria: Ambry Variant Classification Scheme 2023. Collection method: clinical testing. Allele origin: germline.

Breakthrough Genomics
Classification: Likely benign. Review status: criteria provided, single submitter. Criteria: ACMG Guidelines, 2015. Collection method: not provided. Allele origin: germline. Inheritance: Autosomal dominant inheritance. Affected: yes.